The following is an entry in ClinVar:

ClinVar aggregate classification (germline): Benign/Likely benign. Review status: criteria provided, multiple submitters, no conflicts (2 of 4 stars). 25 submissions from 18 submitters: Benign (18); Likely benign (3). 4 of the submissions do not count toward it. Last evaluated 2026-02-04.

Conditions:
Cardiovascular phenotype. Identifiers: MedGen CN230736.
Autosomal recessive limb-girdle muscular dystrophy type 2J (LGMDR10). Also called: Limb-girdle muscular dystrophy, type 2J; MUSCULAR DYSTROPHY, LIMB-GIRDLE, AUTOSOMAL RECESSIVE 10. Identifiers: Orphanet 140922, MedGen C1837342, MONDO:0012127, OMIM 608807.
Dilated cardiomyopathy 1G (CMD1G). Identifiers: Orphanet 154, MedGen C1858763, MONDO:0011400, OMIM 604145.
Early-onset myopathy with fatal cardiomyopathy (CMYO5). Also called: Salih Myopathy; CONGENITAL MYOPATHY 5 WITH CARDIOMYOPATHY. Identifiers: Orphanet 289377, MedGen C2673677, MONDO:0012714, OMIM 611705. Disease mechanism: loss of function.
Myopathy, myofibrillar, 9, with early respiratory failure (MFM9). Also called: Hereditary myopathy with early respiratory failure; EDSTROM MYOPATHY; MYOPATHY, PROXIMAL, WITH EARLY RESPIRATORY MUSCLE INVOLVEMENT; Myopathy, distal, with early respiratory failure, autosomal dominant. Identifiers: Orphanet 178464, Orphanet 34521, MedGen C1863599, MONDO:0011362, OMIM 603689.
Tibial muscular dystrophy (TMD). Also called: UDD MYOPATHY; Udd Distal Myopathy – Tibial Muscular Dystrophy; Tibial muscular dystrophy, tardive. Identifiers: Orphanet 609, MedGen C1838244, MONDO:0010870, OMIM 600334.

Allele frequency attached by ClinVar (database versions not stated): 1000 Genomes Project 30x 0.04794; 1000 Genomes Project 0.05092; TOPMed 0.06541; gnomAD 0.07129 and 0.07232; ESP Exome Variant Server 0.08132; gnomAD exomes 0.08239 and 0.10063; ExAC 0.08303.

Submissions (25):

Labcorp Genetics (formerly Invitae), Labcorp
Classification: Benign for Dilated cardiomyopathy 1G; Autosomal recessive limb-girdle muscular dystrophy type 2J. Last evaluated: 2026-02-04. Review status: criteria provided, single submitter. Criteria: Invitae Variant Classification Sherloc (09022015). Collection method: clinical testing. Allele origin: germline.

Molecular Diagnostic Laboratory for Inherited Cardiovascular Disease, Montreal Heart Institute
Classification: Benign. Last evaluated: 2025-04-09. Review status: criteria provided, single submitter. Criteria: ACMG Guidelines, 2015. Collection method: clinical testing. Allele origin: germline. Affected: no.

Blueprint Genetics
Classification: Benign. Last evaluated: 2024-11-26. Review status: criteria provided, single submitter. Criteria: ACMG Guidelines, 2015. Collection method: clinical testing. Allele origin: germline.

Genome-Nilou Lab
Classification: Benign for Autosomal recessive limb-girdle muscular dystrophy type 2J. Last evaluated: 2021-09-10. Review status: criteria provided, single submitter. Criteria: ACMG Guidelines, 2015. Collection method: clinical testing. Allele origin: germline. Affected: no.

Genome-Nilou Lab
Classification: Benign for Myopathy, myofibrillar, 9, with early respiratory failure. Last evaluated: 2021-09-10. Review status: criteria provided, single submitter. Criteria: ACMG Guidelines, 2015. Collection method: clinical testing. Allele origin: germline. Affected: no.

Genome-Nilou Lab
Classification: Benign for Early-onset myopathy with fatal cardiomyopathy. Last evaluated: 2021-09-10. Review status: criteria provided, single submitter. Criteria: ACMG Guidelines, 2015. Collection method: clinical testing. Allele origin: germline. Affected: no.

Genome-Nilou Lab
Classification: Benign for Tibial muscular dystrophy. Last evaluated: 2021-09-10. Review status: criteria provided, single submitter. Criteria: ACMG Guidelines, 2015. Collection method: clinical testing. Allele origin: germline. Affected: no.

Women's Health and Genetics/Laboratory Corporation of America, LabCorp
Classification: Likely benign. Last evaluated: 2020-08-16. Review status: criteria provided, single submitter. Criteria: LabCorp Variant Classification Summary - May 2015. Collection method: clinical testing. Allele origin: germline.

Illumina Laboratory Services, Illumina
Classification: Benign for Myopathy, myofibrillar, 9, with early respiratory failure. Last evaluated: 2018-01-13. Review status: criteria provided, single submitter. Criteria: ICSL Variant Classification Criteria 13 December 2019. Collection method: clinical testing. Allele origin: germline.
Comment: This variant was observed in the ICSL laboratory as part of a predisposition screen in an ostensibly healthy population. It had not been previously curated by ICSL or reported in the Human Gene Mutation Database (HGMD: prior to June 1st, 2018), and was therefore a candidate for classification through an automated scoring system. Utilizing variant allele frequency, disease prevalence and penetrance estimates, and inheritance mode, an automated score was calculated to assess if this variant is too frequent to cause the disease. Based on the score and internal cut-off values, a variant classified as benign is not then subjected to further curation. The score for this variant resulted in a classification of benign for this disease.

Illumina Laboratory Services, Illumina
Classification: Benign for Autosomal recessive limb-girdle muscular dystrophy type 2J. Last evaluated: 2018-01-13. Review status: criteria provided, single submitter. Criteria: ICSL Variant Classification Criteria 13 December 2019. Collection method: clinical testing. Allele origin: germline.
Comment: the same text as in the submission from Illumina Laboratory Services, Illumina above.

Illumina Laboratory Services, Illumina
Classification: Benign for Tibial muscular dystrophy. Last evaluated: 2018-01-13. Review status: criteria provided, single submitter. Criteria: ICSL Variant Classification Criteria 13 December 2019. Collection method: clinical testing. Allele origin: germline.
Comment: the same text as in the submission from Illumina Laboratory Services, Illumina above.

Illumina Laboratory Services, Illumina
Classification: Benign for Early-onset myopathy with fatal cardiomyopathy. Last evaluated: 2018-01-13. Review status: criteria provided, single submitter. Criteria: ICSL Variant Classification Criteria 13 December 2019. Collection method: clinical testing. Allele origin: germline.
Comment: the same text as in the submission from Illumina Laboratory Services, Illumina above.

Illumina Laboratory Services, Illumina
Classification: Likely benign for Dilated cardiomyopathy 1G. Last evaluated: 2018-01-13. Review status: criteria provided, single submitter. Criteria: ICSL Variant Classification Criteria 13 December 2019. Collection method: clinical testing. Allele origin: germline.
Comment: This variant was observed in the ICSL laboratory as part of a predisposition screen in an ostensibly healthy population. It had not been previously curated by ICSL or reported in the Human Gene Mutation Database (HGMD: prior to June 1st, 2018), and was therefore a candidate for classification through an automated scoring system. Utilizing variant allele frequency, disease prevalence and penetrance estimates, and inheritance mode, an automated score was calculated to assess if this variant is too frequent to cause the disease. Based on the score and internal cut-off values, a variant classified as likely benign is not then subjected to further curation. The score for this variant resulted in a classification of likely benign for this disease.

Mayo Clinic Laboratories, Mayo Clinic
Classification: Benign. Last evaluated: 2017-08-21. Review status: criteria provided, single submitter. Criteria: ACMG Guidelines, 2015. Collection method: clinical testing. Allele origin: germline. Observed: 400 variant alleles.

Ambry Genetics
Classification: Benign for Cardiovascular phenotype. Last evaluated: 2015-10-22. Review status: criteria provided, single submitter. Criteria: Ambry Autosomal Dominant and X-Linked criteria (10/2015). Collection method: clinical testing. Allele origin: germline. Observed: 1 variant allele.

Genetic Services Laboratory, University of Chicago
Classification: Benign for AllHighlyPenetrant. Last evaluated: 2013-08-15. Review status: criteria provided, single submitter. Criteria: ACMG Guidelines, 2007. Collection method: clinical testing. Allele origin: germline.

Biesecker Lab/Clinical Genomics Section, National Institutes of Health
Classification: Benign. Last evaluated: 2013-06-24. Review status: criteria provided, single submitter. Criteria: Ng et al. (Circ Cardiovasc Genet. 2013). Collection method: research. Allele origin: unknown. Observed: 121 variant alleles. Study: ClinSeq.
Comment: The study set was not selected for affection status in relation to any cancer. Pathogenicity categories were based on literature curation. See Pubmed ID:23861362 for details.

Medical sequencing

GeneDx
Classification: Benign. Last evaluated: 2012-11-01. Review status: criteria provided, single submitter. Criteria: GeneDx Variant Classification (06012015). Collection method: clinical testing. Allele origin: germline. Affected: yes.
Comment: This variant is considered likely benign or benign based on one or more of the following criteria: it is a conservative change, it occurs at a poorly conserved position in the protein, it is predicted to be benign by multiple in silico algorithms, and/or has population frequency not consistent with disease.

Laboratory for Molecular Medicine, Mass General Brigham Personalized Medicine
Classification: Benign. Last evaluated: 2012-04-11. Review status: criteria provided, single submitter. Criteria: LMM Criteria. Collection method: clinical testing. Allele origin: germline. Observed: 315 variant alleles.

Breakthrough Genomics
Classification: Likely benign. Review status: criteria provided, single submitter. Criteria: ACMG Guidelines, 2015. Collection method: not provided. Allele origin: germline. Inheritance: Autosomal recessive inheritance. Affected: yes.

PreventionGenetics, part of Exact Sciences
Classification: Benign. Review status: criteria provided, single submitter. Criteria: ACMG Guidelines, 2015. Collection method: clinical testing. Allele origin: germline.

Clinical Genetics DNA and cytogenetics Diagnostics Lab, Erasmus MC, Erasmus Medical Center
Classification: Benign. Review status: no assertion criteria provided. Collection method: clinical testing. Allele origin: germline. Affected: yes. Study: VKGL Data-share Consensus. Not counted in ClinVar's aggregate classification.

Clinical Genetics, Academic Medical Center
Classification: Benign. Review status: no assertion criteria provided. Collection method: clinical testing. Allele origin: germline. Affected: yes. Study: VKGL Data-share Consensus. Not counted in ClinVar's aggregate classification.

Genome Diagnostics Laboratory, University Medical Center Utrecht
Classification: Benign. Review status: no assertion criteria provided. Collection method: clinical testing. Allele origin: germline. Affected: yes. Study: VKGL Data-share Consensus. Not counted in ClinVar's aggregate classification.

Joint Genome Diagnostic Labs from Nijmegen and Maastricht, Radboudumc and MUMC+
Classification: Benign. Review status: no assertion criteria provided. Collection method: clinical testing. Allele origin: germline. Affected: yes. Study: VKGL Data-share Consensus. Not counted in ClinVar's aggregate classification.

NM_001267550.2(TTN):c.42958A>G (p.Lys14320Glu)

Gene: TTN (titin; minus strand). Cytogenetic location: 2q31.2.
Variant type: single nucleotide variant.
Coding change: c.42958A>G on transcript NM_001267550.2 (MANE Select); coding-DNA position 42958, A replaced by G.
Protein change: p.Lys14320Glu; replaces lysine 14320 with glutamic acid.
Molecular consequence: missense variant.
Genome position (GRCh38, 1-based): chr2:178,633,315, T>C on the plus strand (A>G on the coding strand, the complement: TTN is on the minus strand). VCF-style: chr2-178633315-T-C. GRCh37 (hg19) VCF-style: chr2-179498042-T-C.
Other names: p.K11752E:AAA>GAA; c.38035A>G, p.Lys12679Glu (NM_001256850.1); c.35254A>G, p.Lys11752Glu (NM_133378.4); c.15763A>G, p.Lys5255Glu (NM_003319.4); c.16138A>G, p.Lys5380Glu (NM_133432.3); c.16339A>G, p.Lys5447Glu (NM_133437.4); short protein forms K14320E, K11752E, K12679E, K5380E, K5447E, K5255E.
Identifiers: ClinVar variation 46963 (VCV000046963.37), dbSNP rs6723526, ClinGen allele CA283229.
Genomic context (GRCh38, chr2:178,633,315, plus strand): 5'-TTTCAAAGTGGGCTGTTTCACCAACAAACACCTCTACTCCGTACAGAGGCTTTTCCACTT[T>C]TATTAGTCGAGCTGAAATGATACAGTTTTGTTAGCATGACTGAACTAATAAACTGCAGAT-3'
Protein context (NP_001254479.2, residues 14310-14330): ANVTVEARLI[Lys14320Glu]VEKPLYGVEV